The following is an entry in ClinVar:

NM_003628.6(PKP4):c.1051G>C (p.Gly351Arg)

Gene: PKP4 (plakophilin 4; plus strand). Cytogenetic location: 2q24.1.
Variant type: single nucleotide variant.
Coding change: c.1051G>C on transcript NM_003628.6 (MANE Select); coding-DNA position 1051, G replaced by C.
Protein change: p.Gly351Arg; replaces glycine 351 with arginine.
Molecular consequence: missense variant.
Genome position (GRCh38, 1-based): chr2:158,625,325, G>C. VCF-style: chr2-158625325-G-C. GRCh37 (hg19) VCF-style: chr2-159481837-G-C.
Other names: c.1051G>C, p.Gly351Arg (NM_001005476.4, NM_001304969.3, NM_001304971.2 and 6 more transcripts); c.25G>C, p.Gly9Arg (NM_001304970.3); c.1045G>C, p.Gly349Arg (NM_001377222.1, NM_001377223.1, NM_001377224.1); short protein forms G349R, G351R, G9R.
Identifiers: ClinVar variation 4825847 (VCV004825847.1).

ClinVar aggregate classification (germline): Uncertain significance (1 of 4 stars; one submission).

Submission:

Ambry Genetics
Classification: Uncertain significance. Last evaluated: 2026-03-12. Review status: criteria provided, single submitter. Criteria: Ambry Variant Classification Scheme 2023. Collection method: clinical testing. Allele origin: germline.
Comment: The p.G351R variant (also known as c.1051G>C), located in coding exon 6 of the PKP4 gene, results from a G to C substitution at nucleotide position 1051. The glycine at codon 351 is replaced by arginine, an amino acid with dissimilar properties. This amino acid position is conserved. In addition, the in silico prediction for this alteration is inconclusive. Based on the available evidence, the clinical significance of this variant remains unclear.